The following is an entry in ClinVar:

ClinVar aggregate classification (germline): Uncertain significance (1 of 4 stars; one submission).

Allele frequency attached by ClinVar (database versions not stated): gnomAD exomes 0.00003; gnomAD 0.00005; TOPMed 0.00008; ExAC 0.00001.
gnomAD v4.1: 49 of 1,613,990 alleles (0.003%); highest among the groups gnomAD compares: Middle Eastern, 0.016%; no homozygotes.

Submission:

CeGaT Center for Human Genetics Tuebingen
Classification: Uncertain significance. Last evaluated: 2023-08-01. Review status: criteria provided, single submitter. Criteria: CeGaT Center For Human Genetics Tuebingen Variant Classification Criteria Version 2. Collection method: clinical testing. Allele origin: germline. Affected: yes. Observed: 1 variant allele.
Comment: DCC: PM2, BP4

NM_005215.4(DCC):c.1317G>A (p.Leu439=)

Gene: DCC (DCC netrin 1 receptor; plus strand). Cytogenetic location: 18q21.2.
Variant type: single nucleotide variant.
Coding change: c.1317G>A on transcript NM_005215.4 (MANE Select); coding-DNA position 1317, G replaced by A.
Protein change: p.Leu439=; no amino-acid change (leucine 439 retained).
Molecular consequence: synonymous variant.
Genome position (GRCh38, 1-based): chr18:53,157,411, G>A. VCF-style: chr18-53157411-G-A. GRCh37 (hg19) VCF-style: chr18-50683781-G-A.
Identifiers: ClinVar variation 2648725 (VCV002648725.24), dbSNP rs777267562, ClinGen allele CA8966817.